The following is an entry in ClinVar:

NM_001035.3(RYR2):c.14299-20C>T

Gene: RYR2 (ryanodine receptor 2; plus strand). Cytogenetic location: 1q43.
Variant type: single nucleotide variant.
Coding change: c.14299-20C>T on transcript NM_001035.3 (MANE Select); 20 bases into the intron before coding-DNA position 14299, C replaced by T.
Molecular consequence: intron variant.
Genome position (GRCh38, 1-based): chr1:237,808,881, C>T. VCF-style: chr1-237808881-C-T. GRCh37 (hg19) VCF-style: chr1-237972181-C-T.
Other names: c.14299-20C>T (LRG_402t1).
Identifiers: ClinVar variation 515859 (VCV000515859.1), dbSNP rs1483185916, ClinGen allele CA658795646.

ClinVar aggregate classification (germline): Likely benign (1 of 4 stars; one submission).

Submission:

GeneDx
Classification: Likely benign. Last evaluated: 2018-02-26. Review status: criteria provided, single submitter. Criteria: GeneDx Variant Classification (06012015). Collection method: clinical testing. Allele origin: germline. Affected: yes.
Comment: This variant is considered likely benign or benign based on one or more of the following criteria: it is a conservative change, it occurs at a poorly conserved position in the protein, it is predicted to be benign by multiple in silico algorithms, and/or has population frequency not consistent with disease.